The following is an entry in ClinVar:

ClinVar aggregate classification (germline): Uncertain significance (1 of 4 stars; one submission).

Allele frequency attached by ClinVar (database versions not stated): gnomAD exomes below 0.00001; gnomAD 0.00001.
gnomAD v4.1: 3 of 1,613,976 alleles (0.00019%); highest among the groups gnomAD compares: East Asian, 0.0022%; no homozygotes.

Submission:

GeneDx
Classification: Uncertain significance. Last evaluated: 2023-04-28. Review status: criteria provided, single submitter. Criteria: GeneDx Variant Classification Process June 2021. Collection method: clinical testing. Allele origin: germline. Affected: yes.
Comment: In silico analysis supports that this missense variant does not alter protein structure/function; Has not been previously published as pathogenic or benign to our knowledge

NM_014915.3(ANKRD26):c.1952G>A (p.Ser651Asn)

Gene: ANKRD26 (ankyrin repeat domain containing 26; minus strand). Cytogenetic location: 10p12.1.
Variant type: single nucleotide variant.
Coding change: c.1952G>A on transcript NM_014915.3 (MANE Select); coding-DNA position 1952, G replaced by A.
Protein change: p.Ser651Asn; replaces serine 651 with asparagine.
Molecular consequence: missense variant.
Genome position (GRCh38, 1-based): chr10:27,046,386, C>T on the plus strand (G>A on the coding strand, the complement: ANKRD26 is on the minus strand). VCF-style: chr10-27046386-C-T. GRCh37 (hg19) VCF-style: chr10-27335315-C-T.
Other names: c.1949G>A, p.Ser650Asn (NM_001256053.2); short protein forms S650N, S651N.
Identifiers: ClinVar variation 2662000 (VCV002662000.1), dbSNP rs1271668370, ClinGen allele CA376353048.
Genomic context (GRCh38, chr10:27,046,386, plus strand): 5'-GAAAAATAAAGAAATCATAGATTTTACCTTCCTTCATCCTCATCTATTTCACTTAAACTG[C>T]TGTCATCATCCACTTGTAGCAGGCCACCAGTTAGTAAACTGGCCTTCCCAAACACTGGTG-3'
Protein context (NP_055730.2, residues 641-661): TGGLLQVDDD[Ser651Asn]SLSEIDEDEG